The following is an entry in ClinVar:

ClinVar aggregate classification (germline): Uncertain significance. Review status: criteria provided, multiple submitters, no conflicts (2 of 4 stars). 2 submissions from 2 submitters: Uncertain significance (2). Last evaluated 2024-03-05.

Conditions:
Cardiomyopathy (CMYO). Also called: Cardiomyopathies. Identifiers: Orphanet 167848, MedGen C0878544, MONDO:0004994, HP:0001638. Inheritance: Various modes of inheritance.

Allele frequency attached by ClinVar (database versions not stated): gnomAD exomes below 0.00001.
gnomAD v4.1: 1 of 1,614,216 alleles (0.000062%); highest among the groups gnomAD compares: South Asian, 0.0011%; no homozygotes.

Submissions (2):

All of Us Research Program, National Institutes of Health
Classification: Uncertain significance for Cardiomyopathy. Last evaluated: 2024-03-05. Review status: criteria provided, single submitter. Criteria: ACMG Guidelines, 2015. Collection method: clinical testing. Allele origin: germline. Inheritance: Autosomal dominant inheritance. Observed: 1 variant allele, 1 heterozygote.
Comment: This study involves interpretation of variants in research participants for the purpose of population health screening. Participant phenotype was not available at the time of variant classification. Additional details can be found in publication PMID: 35346344, PMCID: PMC8962531

CHEO Genetics Diagnostic Laboratory, Children's Hospital of Eastern Ontario
Classification: Uncertain significance for Cardiomyopathy. Last evaluated: 2020-08-11. Review status: criteria provided, single submitter. Criteria: ACMG Guidelines, 2015. Collection method: clinical testing. Allele origin: germline.

NM_000257.4(MYH7):c.5046G>T (p.Gln1682His)

Genes: MHRT (myosin heavy chain associated RNA transcript; plus strand), MYH7 (myosin heavy chain 7; minus strand), LOC126861897 (BRD4-independent group 4 enhancer GRCh37_chr14:23884455-23885654; plus strand). Cytogenetic location: 14q11.2.
Variant type: single nucleotide variant.
Coding change: c.5046G>T on transcript NM_000257.4 (MANE Select); coding-DNA position 5046, G replaced by T.
Protein change: p.Gln1682His; replaces glutamine 1682 with histidine.
Molecular consequence: missense variant. On other transcripts: non-coding transcript variant (1).
Genome position (GRCh38, 1-based): chr14:23,415,740, C>A on the plus strand (G>T on the coding strand, the complement: MYH7 is on the minus strand). VCF-style: chr14-23415740-C-A. GRCh37 (hg19) VCF-style: chr14-23884949-C-A.
Other names: short protein forms Q1682H.
Identifiers: ClinVar variation 1329414 (VCV001329414.3), dbSNP rs2138640487, ClinGen allele CA389037074.